The following is an entry in ClinVar:

ClinVar aggregate classification (germline): Uncertain significance (1 of 4 stars; one submission).

Submission:

GeneDx
Classification: Uncertain significance. Last evaluated: 2022-09-22. Review status: criteria provided, single submitter. Criteria: GeneDx Variant Classification Process June 2021. Collection method: clinical testing. Allele origin: germline. Affected: yes.
Comment: Not observed at significant frequency in large population cohorts (gnomAD); In silico analysis supports that this missense variant does not alter protein structure/function; Has not been previously published as pathogenic or benign to our knowledge

NM_001923.5(DDB1):c.3137G>A (p.Ser1046Asn)

Gene: DDB1 (damage specific DNA binding protein 1; minus strand). Cytogenetic location: 11q12.2.
Variant type: single nucleotide variant.
Coding change: c.3137G>A on transcript NM_001923.5 (MANE Select); coding-DNA position 3137, G replaced by A.
Protein change: p.Ser1046Asn; replaces serine 1046 with asparagine.
Molecular consequence: missense variant.
Genome position (GRCh38, 1-based): chr11:61,302,335, C>T on the plus strand (G>A on the coding strand, the complement: DDB1 is on the minus strand). VCF-style: chr11-61302335-C-T. GRCh37 (hg19) VCF-style: chr11-61069807-C-T.
Other names: short protein forms S1046N.
Identifiers: ClinVar variation 2446261 (VCV002446261.1), dbSNP rs2539658605, ClinGen allele CA380657060.